The following is an entry in ClinVar:

ClinVar aggregate classification (germline): Uncertain significance (1 of 4 stars; one submission).

Allele frequency attached by ClinVar (database versions not stated): gnomAD exomes below 0.00001; gnomAD 0.00001; TOPMed 0.00001; ExAC 0.00002; 1000 Genomes Project 0.00020; 1000 Genomes Project 30x 0.00031.
gnomAD v4.1: 7 of 1,614,222 alleles (0.00043%); highest among the groups gnomAD compares: Non-Finnish European, 0.00059%; no homozygotes.

Submission:

Labcorp Genetics (formerly Invitae), Labcorp
Classification: Uncertain significance. Last evaluated: 2024-02-19. Review status: criteria provided, single submitter. Criteria: Invitae Variant Classification Sherloc (09022015). Collection method: clinical testing. Allele origin: germline.
Comment: This sequence change replaces alanine, which is neutral and non-polar, with threonine, which is neutral and polar, at codon 1154 of the C3 protein (p.Ala1154Thr). This variant is present in population databases (rs201865666, gnomAD 0.003%). This variant has not been reported in the literature in individuals affected with C3-related conditions. Advanced modeling of protein sequence and biophysical properties (such as structural, functional, and spatial information, amino acid conservation, physicochemical variation, residue mobility, and thermodynamic stability) performed at Invitae indicates that this missense variant is expected to disrupt C3 protein function with a positive predictive value of 80%. In summary, the available evidence is currently insufficient to determine the role of this variant in disease. Therefore, it has been classified as a Variant of Uncertain Significance.

NM_000064.4(C3):c.3460G>A (p.Ala1154Thr)

Gene: C3 (complement C3; minus strand). Cytogenetic location: 19p13.3.
Variant type: single nucleotide variant.
Coding change: c.3460G>A on transcript NM_000064.4 (MANE Select); coding-DNA position 3460, G replaced by A.
Protein change: p.Ala1154Thr; replaces alanine 1154 with threonine.
Molecular consequence: missense variant.
Genome position (GRCh38, 1-based): chr19:6,690,658, C>T on the plus strand (G>A on the coding strand, the complement: C3 is on the minus strand). VCF-style: chr19-6690658-C-T. GRCh37 (hg19) VCF-style: chr19-6690669-C-T.
Other names: short protein forms A1154T.
Identifiers: ClinVar variation 2878189 (VCV002878189.3), dbSNP rs201865666, ClinGen allele CA9128726.